The following is an entry in ClinVar:

ClinVar aggregate classification (germline): Uncertain significance (1 of 4 stars; one submission).

Conditions:
Brugada syndrome. Also called: Sudden unexpected nocturnal death syndrome; Sudden unexplained nocturnal death syndrome; Sudden Unexplained Death Syndrome; Sudden Unexplained Nocturnal Death Syndrome (SUNDS). Identifiers: Orphanet 130, MedGen C1142166, MONDO:0015263.

Submission:

Labcorp Genetics (formerly Invitae), Labcorp
Classification: Uncertain significance for Brugada syndrome. Last evaluated: 2023-07-26. Review status: criteria provided, single submitter. Criteria: Invitae Variant Classification Sherloc (09022015). Collection method: clinical testing. Allele origin: germline.
Comment: This variant is not present in population databases (gnomAD no frequency). In summary, the available evidence is currently insufficient to determine the role of this variant in disease. Therefore, it has been classified as a Variant of Uncertain Significance. An algorithm developed to predict the effect of missense changes on protein structure and function (PolyPhen-2) suggests that this variant is likely to be tolerated. This variant has not been reported in the literature in individuals affected with KCNE5-related conditions. This sequence change replaces arginine, which is basic and polar, with leucine, which is neutral and non-polar, at codon 10 of the KCNE5 protein (p.Arg10Leu).

NM_012282.4(KCNE5):c.29G>T (p.Arg10Leu)

Gene: KCNE5 (potassium voltage-gated channel subfamily E regulatory subunit 5; minus strand). Cytogenetic location: Xq23.
Variant type: single nucleotide variant.
Coding change: c.29G>T on transcript NM_012282.4 (MANE Select); coding-DNA position 29, G replaced by T.
Protein change: p.Arg10Leu; replaces arginine 10 with leucine.
Molecular consequence: missense variant.
Genome position (GRCh38, 1-based): chrX:109,624,992, C>A on the plus strand (G>T on the coding strand, the complement: KCNE5 is on the minus strand). VCF-style: chrX-109624992-C-A. GRCh37 (hg19) VCF-style: chrX-108868221-C-A.
Other names: short protein forms R10L.
Identifiers: ClinVar variation 2747065 (VCV002747065.3), dbSNP rs2520687181, ClinGen allele CA414214132.